The following is an entry in ClinVar:

NM_000222.3(KIT):c.503C>A (p.Ala168Glu)

Gene: KIT (KIT proto-oncogene, receptor tyrosine kinase; plus strand). Cytogenetic location: 4q12.
Variant type: single nucleotide variant.
Coding change: c.503C>A on transcript NM_000222.3 (MANE Select); coding-DNA position 503, C replaced by A.
Protein change: p.Ala168Glu; replaces alanine 168 with glutamic acid.
Molecular consequence: missense variant.
Genome position (GRCh38, 1-based): chr4:54,698,449, C>A. VCF-style: chr4-54698449-C-A. GRCh37 (hg19) VCF-style: chr4-55564615-C-A.
Other names: c.503C>A, p.Ala168Glu (NM_001093772.2, NM_001385284.1, NM_001385285.1 and 4 more transcripts); short protein forms A168E.
Identifiers: ClinVar variation 1035865 (VCV001035865.20), dbSNP rs149092990, ClinGen allele CA2923254.
Genomic context (GRCh38, chr4:54,698,449, plus strand): 5'-TCAAGGGGTGCCAGGGGAAGCCTCTTCCCAAGGACTTGAGGTTTATTCCTGACCCCAAGG[C>A]GGGCATCATGATCAAAAGTGTGAAACGCGCCTACCATCGGCTCTGTCTGCATTGTTCTGT-3'
Protein context (NP_000213.1, residues 158-178): KDLRFIPDPK[Ala168Glu]GIMIKSVKRA

ClinVar aggregate classification (germline): Uncertain significance. Review status: criteria provided, multiple submitters, no conflicts (2 of 4 stars). 3 submissions from 3 submitters: Uncertain significance (3). Last evaluated 2025-10-10.

Conditions:
Gastrointestinal stromal tumor. Also called: Gastrointestinal stromal tumor, somatic; Gastrointestinal stroma tumor. Identifiers: Orphanet 44890, MedGen C0238198, MeSH D046152, MONDO:0011719, OMIM 606764, HP:0100723.
Hereditary cancer-predisposing syndrome. Also called: Tumor predisposition; Neoplastic Syndromes, Hereditary; Hereditary neoplastic syndrome; Hereditary Cancer Syndrome. Identifiers: Orphanet 140162, MedGen C0027672, MeSH D009386, MONDO:0015356.

gnomAD v4.1: 4 of 1,614,148 alleles (0.00025%); highest among the groups gnomAD compares: Admixed American, 0.0033%; no homozygotes.

Submissions (3):

Ambry Genetics
Classification: Uncertain significance for Hereditary cancer-predisposing syndrome. Last evaluated: 2025-10-10. Review status: criteria provided, single submitter. Criteria: Ambry Variant Classification Scheme 2023. Collection method: clinical testing. Allele origin: germline.
Comment: The p.A168E variant (also known as c.503C>A), located in coding exon 3 of the KIT gene, results from a C to A substitution at nucleotide position 503. The alanine at codon 168 is replaced by glutamic acid, an amino acid with dissimilar properties. This amino acid position is conserved. In addition, this alteration is predicted to be tolerated by in silico analysis. Based on the available evidence, the clinical significance of this variant remains unclear.

Labcorp Genetics (formerly Invitae), Labcorp
Classification: Uncertain significance for Gastrointestinal stromal tumor. Last evaluated: 2025-08-29. Review status: criteria provided, single submitter. Criteria: Invitae Variant Classification Sherloc (09022015). Collection method: clinical testing. Allele origin: germline.
Comment: This sequence change replaces alanine, which is neutral and non-polar, with glutamic acid, which is acidic and polar, at codon 168 of the KIT protein (p.Ala168Glu). This variant is present in population databases (rs149092990, gnomAD 0.003%). This variant has not been reported in the literature in individuals affected with KIT-related conditions. ClinVar contains an entry for this variant (Variation ID: 1035865). An algorithm developed to predict the effect of missense changes on protein structure and function (PolyPhen-2) suggests that this variant is likely to be tolerated. In summary, the available evidence is currently insufficient to determine the role of this variant in disease. Therefore, it has been classified as a Variant of Uncertain Significance.

GeneDx
Classification: Uncertain significance. Last evaluated: 2024-04-30. Review status: criteria provided, single submitter. Criteria: GeneDx Variant Classification Process June 2021. Collection method: clinical testing. Allele origin: germline. Affected: yes.
Comment: Not observed at significant frequency in large population cohorts (gnomAD); In silico analysis indicates that this missense variant does not alter protein structure/function; Has not been previously published as pathogenic or benign to our knowledge